The following is an entry in ClinVar:

NM_000059.4(BRCA2):c.2838T>C (p.Asp946=)

Gene: BRCA2 (BRCA2 DNA repair associated; plus strand). Cytogenetic location: 13q13.1.
Variant type: single nucleotide variant.
Coding change: c.2838T>C on transcript NM_000059.4 (MANE Select); coding-DNA position 2838, T replaced by C.
Protein change: p.Asp946=; no amino-acid change (aspartic acid 946 retained).
Molecular consequence: synonymous variant.
Genome position (GRCh38, 1-based): chr13:32,337,193, T>C. VCF-style: chr13-32337193-T-C. GRCh37 (hg19) VCF-style: chr13-32911330-T-C.
Identifiers: ClinVar variation 920673 (VCV000920673.15), dbSNP rs149753706, ClinGen allele CA483437497.
Genomic context (GRCh38, chr13:32,337,193, plus strand): 5'-CATGGTTTTATATGGAGACACAGGTGATAAACAAGCAACCCAAGTGTCAATTAAAAAAGA[T>C]TTGGTTTATGTTCTTGCAGAGGAGAACAAAAATAGTGTAAAGCAGCATATAAAAATGACT-3'
Protein context (NP_000050.3, residues 936-956): KQATQVSIKK[Asp946=]LVYVLAEENK

ClinVar aggregate classification (germline): Likely benign. Review status: criteria provided, multiple submitters, no conflicts (2 of 4 stars). 5 submissions from 5 submitters: Likely benign (5). Last evaluated 2024-05-12.

Conditions:
Breast and/or ovarian cancer. Identifiers: MedGen CN221562.
Hereditary cancer-predisposing syndrome. Also called: Hereditary Cancer Syndrome; Hereditary neoplastic syndrome; Neoplastic Syndromes, Hereditary; Tumor predisposition. Identifiers: Orphanet 140162, MedGen C0027672, MeSH D009386, MONDO:0015356.
Hereditary breast ovarian cancer syndrome. Also called: BRCA1- and BRCA2-Associated Hereditary Breast and Ovarian Cancer; Hereditary breast and ovarian cancer syndrome; Hereditary breast and ovarian cancer syndrome (HBOC); Breast and ovarian cancer; Hereditary breast and ovarian cancer; Hereditary breast and/or ovarian cancer syndrome. Identifiers: Orphanet 145, MedGen C0677776, MeSH D061325, MONDO:0003582. Disease mechanism: loss of function.
Breast-ovarian cancer, familial, susceptibility to, 2 (BROVCA2). Also called: BRCA2 Hereditary Breast and Ovarian Cancer. Identifiers: Orphanet 145, MedGen C2675520, MONDO:0012933, OMIM 612555. Disease mechanism: loss of function.

gnomAD v4.1: 1 of 1,613,724 alleles (0.000062%); highest among the groups gnomAD compares: Non-Finnish European, 0.000085%; no homozygotes.

Submissions (5):

Labcorp Genetics (formerly Invitae), Labcorp
Classification: Likely benign for Hereditary breast ovarian cancer syndrome. Last evaluated: 2024-05-12. Review status: criteria provided, single submitter. Criteria: Invitae Variant Classification Sherloc (09022015). Collection method: clinical testing. Allele origin: germline.

All of Us Research Program, National Institutes of Health
Classification: Likely benign for Breast-ovarian cancer, familial, susceptibility to, 2. Last evaluated: 2023-12-13. Review status: criteria provided, single submitter. Criteria: ACMG Guidelines, 2015. Collection method: clinical testing. Allele origin: germline. Inheritance: Autosomal dominant inheritance. Observed: 1 variant allele, 1 heterozygote.
Comment: This study involves interpretation of variants in research participants for the purpose of population health screening. Participant phenotype was not available at the time of variant classification. Additional details can be found in publication PMID: 35346344, PMCID: PMC8962531

Ambry Genetics
Classification: Likely benign for Hereditary cancer-predisposing syndrome. Last evaluated: 2022-04-19. Review status: criteria provided, single submitter. Criteria: Ambry Variant Classification Scheme 2023. Collection method: clinical testing. Allele origin: germline.

CHEO Genetics Diagnostic Laboratory, Children's Hospital of Eastern Ontario
Classification: Likely benign for Breast and/or ovarian cancer. Last evaluated: 2020-05-19. Review status: criteria provided, single submitter. Criteria: ACMG Guidelines, 2015. Collection method: clinical testing. Allele origin: germline.

Color Diagnostics, LLC DBA Color Health
Classification: Likely benign for Hereditary cancer-predisposing syndrome. Last evaluated: 2019-06-11. Review status: criteria provided, single submitter. Criteria: ACMG Guidelines, 2015. Collection method: clinical testing. Allele origin: germline.